The following is an entry in ClinVar:

NM_012120.3(CD2AP):c.904-39_904-37dup

Gene: CD2AP (CD2 associated protein; plus strand). Cytogenetic location: 6p12.3.
Variant type: Duplication.
Coding change: c.904-39_904-37dup on transcript NM_012120.3 (MANE Select); 39 bases into the intron before coding-DNA position 904 through 37 bases into the intron before coding-DNA position 904, 3 bases duplicated (AAA; older notation c.904-39_904-37dupAAA).
Molecular consequence: intron variant.
Genome position (GRCh38, 1-based): chr6:47,579,346-47,579,348, AAA duplicated; duplicating any 3 consecutive bases within chr6:47,579,335-47,579,348 gives the same sequence; the c. name uses the placement nearest the transcript's 3' end. VCF-style (leftmost placement, unchanged base first): chr6-47579334-T-TAAA. GRCh37 (hg19) VCF-style: chr6-47547070-T-TAAA.
Identifiers: ClinVar variation 1279143 (VCV001279143.3), dbSNP rs34735056, ClinGen allele CA3844138.

ClinVar aggregate classification (germline): Benign. Review status: criteria provided, multiple submitters, no conflicts (2 of 4 stars). 2 submissions from 2 submitters: Benign (2). Last evaluated 2024-07-15.

Submissions (2):

Unidad de Genómica Garrahan, Hospital de Pediatría Garrahan
Classification: Benign. Last evaluated: 2024-07-15. Review status: criteria provided, single submitter. Criteria: ACMG Guidelines, 2015. Collection method: clinical testing. Allele origin: germline. Affected: no. Observed: 29 variant alleles.
Comment: This variant is classified as Benign based on local population frequency. This variant was detected in 31% of patients studied in a panel designed for Epileptic and Developmental Encephalopathy and Progressive Myoclonus Epilepsy. Number of patients: 29. Only high quality variants are reported.

GeneDx
Classification: Benign. Last evaluated: 2019-08-20. Review status: criteria provided, single submitter. Criteria: GeneDx Variant Classification Process June 2021. Collection method: clinical testing. Allele origin: germline. Affected: yes.